The following is an entry in ClinVar:

ClinVar aggregate classification (germline): Conflicting classifications of pathogenicity. Review status: criteria provided, conflicting classifications (1 of 4 stars). 3 submissions from 3 submitters: Uncertain significance (2); Likely benign (1). Last evaluated 2025-01-06.

Conditions:
Mitochondrial DNA depletion syndrome, encephalomyopathic form with methylmalonic aciduria (MTDPS5). Also called: Mitochondrial encephalomyopathy aminoacidopathy; Mitochondrial DNA depletion syndrome 5 (encephalomyopathic with or without methylmalonic aciduria); MITOCHONDRIAL DNA DEPLETION SYNDROME, ENCEPHALOMYOPATHIC FORM, WITH OR WITHOUT METHYLMALONIC ACIDURIA, AUTOSOMAL RECESSIVE, SUCLA2-RELATED; SUCLA2-Related Mitochondrial DNA Depletion Syndrome, Encephalomyopathic Form with Methylmalonic Aciduria. Identifiers: Orphanet 1933, MedGen C5980207, MONDO:0012791, OMIM 612073.

Allele frequency attached by ClinVar (database versions not stated): gnomAD exomes below 0.00001 and 0.00001; ExAC 0.00001; gnomAD 0.00003 and 0.00004; TOPMed 0.00004; ESP Exome Variant Server 0.00015.
gnomAD v4.1: 7 of 1,613,762 alleles (0.00043%); highest among the groups gnomAD compares: African/African-American, 0.0067%; no homozygotes.

Submissions (3):

Labcorp Genetics (formerly Invitae), Labcorp
Classification: Likely benign for Mitochondrial DNA depletion syndrome, encephalomyopathic form with methylmalonic aciduria. Last evaluated: 2025-01-06. Review status: criteria provided, single submitter. Criteria: Invitae Variant Classification Sherloc (09022015). Collection method: clinical testing. Allele origin: germline.

GeneDx
Classification: Uncertain significance. Last evaluated: 2023-05-01. Review status: criteria provided, single submitter. Criteria: GeneDx Variant Classification Process June 2021. Collection method: clinical testing. Allele origin: germline. Affected: yes.
Comment: Not observed at significant frequency in large population cohorts (gnomAD); In silico analysis supports that this variant does not alter splicing; Has not been previously published as pathogenic or benign to our knowledge

Illumina Laboratory Services, Illumina
Classification: Uncertain significance for Mitochondrial DNA depletion syndrome, encephalomyopathic form with methylmalonic aciduria. Last evaluated: 2018-01-13. Review status: criteria provided, single submitter. Criteria: ICSL Variant Classification Criteria 13 December 2019. Collection method: clinical testing. Allele origin: germline.

NM_003850.3(SUCLA2):c.1320T>C (p.Val440=)

Gene: SUCLA2 (succinate-CoA ligase ADP-forming subunit beta; minus strand). Cytogenetic location: 13q14.2.
Variant type: single nucleotide variant.
Coding change: c.1320T>C on transcript NM_003850.3 (MANE Select); coding-DNA position 1320, T replaced by C.
Protein change: p.Val440=; no amino-acid change (valine 440 retained).
Molecular consequence: synonymous variant.
Genome position (GRCh38, 1-based): chr13:47,943,443, A>G on the plus strand (T>C on the coding strand, the complement: SUCLA2 is on the minus strand). VCF-style: chr13-47943443-A-G. GRCh37 (hg19) VCF-style: chr13-48517578-A-G.
Identifiers: ClinVar variation 882327 (VCV000882327.9), dbSNP rs140383237, ClinGen allele CA6977767.
Genomic context (GRCh38, chr13:47,943,443, plus strand): 5'-CTGAAATTTCACATCCACATGTGCTTGCTTCGCTAAGGTCACTATTTCAGAGAGCTTTAC[A>G]ACCTAAAAGAAAAGAACGAAGAATTTTCACAAAAAGGTAAATTCAGAACTACAGGTCAGT-3'
Protein context (NP_003841.1, residues 430-450): CDDLDEAARM[Val440=]VKLSEIVTLA